The following is an entry in ClinVar:

NM_000090.4(COL3A1):c.1509+2T>A

Gene: COL3A1 (collagen type III alpha 1 chain; plus strand). Cytogenetic location: 2q32.2.
Variant type: single nucleotide variant.
Coding change: c.1509+2T>A on transcript NM_000090.4 (MANE Select); the canonical splice donor site of the intron after coding-DNA position 1509, T replaced by A.
Molecular consequence: splice donor variant.
Genome position (GRCh38, 1-based): chr2:188,995,101, T>A. VCF-style: chr2-188995101-T-A. GRCh37 (hg19) VCF-style: chr2-189859827-T-A.
Identifiers: ClinVar variation 4757261 (VCV004757261.1).

ClinVar aggregate classification (germline): Likely pathogenic (1 of 4 stars; one submission).

Conditions:
Familial thoracic aortic aneurysm and aortic dissection (TAAD). Also called: Thoracic aortic aneurysms and dissections. Identifiers: Orphanet 91387, MedGen C4707243, MONDO:0019625.

Submission:

Color Diagnostics, LLC DBA Color Health
Classification: Likely pathogenic for Familial thoracic aortic aneurysm and aortic dissection. Last evaluated: 2025-06-25. Review status: criteria provided, single submitter. Criteria: ACMG Guidelines, 2015. Collection method: clinical testing. Allele origin: germline.
Comment: This variant causes a T>A nucleotide substitution at the canonical +2 splice donor position of intron 21 of the COL3A1 gene. Splice site prediction tools suggest that this variant may have a significant impact on RNA splicing. Although this prediction has not been confirmed in published RNA studies, this variant is expected to result in an absent or disrupted protein product. This variant has not been reported in individuals affected with COL3A1-related disorders in the literature. This variant has not been identified in the general population by the Genome Aggregation Database (gnomAD). Based on the available evidence, this variant is classified as Likely Pathogenic.